The following is an entry in ClinVar:

NM_006757.4(TNNT3):c.176T>G (p.Ile59Ser)

Gene: TNNT3 (troponin T3, fast skeletal type; plus strand). Cytogenetic location: 11p15.5.
Variant type: single nucleotide variant.
Coding change: c.176T>G on transcript NM_006757.4 (MANE Select); coding-DNA position 176, T replaced by G.
Protein change: p.Ile59Ser; replaces isoleucine 59 with serine.
Molecular consequence: missense variant. On other transcripts: 5 prime UTR variant (2).
Genome position (GRCh38, 1-based): chr11:1,933,725, T>G. VCF-style: chr11-1933725-T-G. GRCh37 (hg19) VCF-style: chr11-1954955-T-G.
Other names: c.152T>G, p.Ile51Ser (NM_001042780.3, NM_001042782.3, NM_001297646.2 and 2 more transcripts); c.170T>G, p.Ile57Ser (NM_001042781.3, NM_001367842.1, NM_001367843.1); c.185T>G, p.Ile62Ser (NM_001363561.2, NM_001367847.1); c.209T>G, p.Ile70Ser (NM_001367846.1); c.173T>G, p.Ile58Ser (NM_001367848.1); c.164T>G, p.Ile55Ser (NM_001367849.1); c.119T>G, p.Ile40Ser (NM_001367850.1); c.-29T>G (NM_001367851.1, NM_001367852.1); short protein forms I40S, I51S, I55S, I57S, I58S, I59S, I62S, I70S.
Identifiers: ClinVar variation 4076784 (VCV004076784.1).

ClinVar aggregate classification (germline): Uncertain significance (1 of 4 stars; one submission).

Submission:

GeneDx
Classification: Uncertain significance. Last evaluated: 2025-02-18. Review status: criteria provided, single submitter. Criteria: GeneDx Variant Classification Process June 2021. Collection method: clinical testing. Allele origin: germline. Affected: yes.
Comment: Not observed at significant frequency in large population cohorts (gnomAD); In silico analyses support that this missense variant has a deleterious effect on protein structure/function and suggest this variant may impact gene splicing; in the absence of RNA/functional studies, the actual effect of this sequence change is unknown; Has not been previously published as pathogenic or benign to our knowledge